The following is an entry in ClinVar:

ClinVar aggregate classification (germline): Uncertain significance (1 of 4 stars; one submission).

Conditions:
NRP1-related disorder. Also called: NRP1-related condition.

Allele frequency attached by ClinVar (database versions not stated): gnomAD exomes 0.00001; TOPMed 0.00001; ExAC 0.00002; gnomAD 0.00003.

Submission:

PreventionGenetics, part of Exact Sciences
Classification: Uncertain significance for NRP1-related condition. Last evaluated: 2022-11-04. Review status: criteria provided, single submitter. Criteria: ACMG Guidelines, 2015. Collection method: clinical testing. Allele origin: germline.
Comment: The NRP1 c.1214G>A variant is predicted to result in the amino acid substitution p.Arg405Gln. To our knowledge, this variant has not been reported in the literature. This variant is reported in 0.011% of alleles in individuals of East Asian descent in gnomAD. At this time, the clinical significance of this variant is uncertain due to the absence of conclusive functional and genetic evidence.

NM_003873.7(NRP1):c.1214G>A (p.Arg405Gln)

Gene: NRP1 (neuropilin 1; minus strand). Cytogenetic location: 10p11.22.
Variant type: single nucleotide variant.
Coding change: c.1214G>A on transcript NM_003873.7 (MANE Select); coding-DNA position 1214, G replaced by A.
Protein change: p.Arg405Gln; replaces arginine 405 with glutamine.
Molecular consequence: missense variant. On other transcripts: non-coding transcript variant (1).
Genome position (GRCh38, 1-based): chr10:33,221,787, C>T on the plus strand (G>A on the coding strand, the complement: NRP1 is on the minus strand). VCF-style: chr10-33221787-C-T. GRCh37 (hg19) VCF-style: chr10-33510715-C-T.
Other names: c.1214G>A, p.Arg405Gln (NM_001024628.3, NM_001024629.3, NM_001244972.2 and 2 more transcripts); short protein forms R405Q.
Identifiers: ClinVar variation 2634664 (VCV002634664.1), dbSNP rs752043800, ClinGen allele CA5466701.